The following is an entry in ClinVar:

NM_005535.3(IL12RB1):c.1132G>T (p.Gly378Trp)

Gene: IL12RB1 (interleukin 12 receptor subunit beta 1; minus strand). Cytogenetic location: 19p13.11.
Variant type: single nucleotide variant.
Coding change: c.1132G>T on transcript NM_005535.3 (MANE Select); coding-DNA position 1132, G replaced by T.
Protein change: p.Gly378Trp; replaces glycine 378 with tryptophan.
Molecular consequence: missense variant.
Genome position (GRCh38, 1-based): chr19:18,069,603, C>A on the plus strand (G>T on the coding strand, the complement: IL12RB1 is on the minus strand). VCF-style: chr19-18069603-C-A. GRCh37 (hg19) VCF-style: chr19-18180413-C-A.
Other names: c.1132G>T, p.Gly378Trp (NM_001290023.2); c.1252G>T, p.Gly418Trp (NM_001290024.2); short protein forms G378W, G418W.
Identifiers: ClinVar variation 583180 (VCV000583180.8), dbSNP rs401502, ClinGen allele CA404778629.

ClinVar aggregate classification (germline): Uncertain significance (1 of 4 stars; one submission).

Conditions:
Mendelian susceptibility to mycobacterial diseases due to complete IL12RB1 deficiency. Also called: IL12RB1 DEFICIENCY; Immunodeficiency 30. Identifiers: Orphanet 319552, MedGen C4013949, MONDO:0013955, OMIM 614891.

Submission:

Labcorp Genetics (formerly Invitae), Labcorp
Classification: Uncertain significance for Mendelian susceptibility to mycobacterial diseases due to complete IL12RB1 deficiency. Last evaluated: 2021-07-22. Review status: criteria provided, single submitter. Criteria: Invitae Variant Classification Sherloc (09022015). Collection method: clinical testing. Allele origin: germline.
Comment: In summary, the available evidence is currently insufficient to determine the role of this variant in disease. Therefore, it has been classified as a Variant of Uncertain Significance. Algorithms developed to predict the effect of missense changes on protein structure and function (SIFT, PolyPhen-2, Align-GVGD) all suggest that this variant is likely to be tolerated, but these predictions have not been confirmed by published functional studies and their clinical significance is uncertain. This variant has not been reported in the literature in individuals with IL12RB1-related disease. This variant is not present in population databases (ExAC no frequency). This sequence change replaces glycine with tryptophan at codon 378 of the IL12RB1 protein (p.Gly378Trp). The glycine residue is weakly conserved and there is a large physicochemical difference between glycine and tryptophan.